The following is an entry in ClinVar:

NM_001385641.1(SAMD11):c.2324C>G (p.Ala775Gly)

Gene: SAMD11 (sterile alpha motif domain containing 11; plus strand). Cytogenetic location: 1p36.33.
Variant type: single nucleotide variant.
Coding change: c.2324C>G on transcript NM_001385641.1 (MANE Select); coding-DNA position 2324, C replaced by G.
Protein change: p.Ala775Gly; replaces alanine 775 with glycine.
Molecular consequence: missense variant.
Genome position (GRCh38, 1-based): chr1:943,942, C>G. VCF-style: chr1-943942-C-G. GRCh37 (hg19) VCF-style: chr1-879322-C-G.
Other names: c.2327C>G, p.Ala776Gly (NM_001385640.1); c.1835C>G, p.Ala612Gly (NM_152486.4); short protein forms A776G, A612G, A775G.
Identifiers: ClinVar variation 1348977 (VCV001348977.8), dbSNP rs138668810, ClinGen allele CA503338.
Genomic context (GRCh38, chr1:943,942, plus strand): 5'-GCCCCCACCAGGCCATCTCTCTGCAGGTGGCCAGGCGCCTGGGCCGAGTTTTCTACGTGG[C>G]CAGCTTCCCCGTGGCTCTGCCACTGCAGCCACCAACCCTGCGGGCCCCGGAGCGAGAACT-3'
Protein context (NP_001372570.1, residues 765-785): ARRLGRVFYV[Ala775Gly]SFPVALPLQP

ClinVar aggregate classification (germline): Uncertain significance (1 of 4 stars; one submission).

Allele frequency attached by ClinVar (database versions not stated): 1000 Genomes Project 30x 0.00016.
gnomAD v4.1: 29 of 1,612,660 alleles (0.0018%); highest among the groups gnomAD compares: African/African-American, 0.032%; 1 homozygote.

Submission:

Labcorp Genetics (formerly Invitae), Labcorp
Classification: Uncertain significance. Last evaluated: 2023-05-23. Review status: criteria provided, single submitter. Criteria: Invitae Variant Classification Sherloc (09022015). Collection method: clinical testing. Allele origin: germline.
Comment: In summary, the available evidence is currently insufficient to determine the role of this variant in disease. Therefore, it has been classified as a Variant of Uncertain Significance. An algorithm developed to predict the effect of missense changes on protein structure and function (PolyPhen-2) suggests that this variant is likely to be disruptive. ClinVar contains an entry for this variant (Variation ID: 1348977). This variant has not been reported in the literature in individuals affected with SAMD11-related conditions. This variant is present in population databases (rs138668810, gnomAD 0.03%). This sequence change replaces alanine, which is neutral and non-polar, with glycine, which is neutral and non-polar, at codon 612 of the SAMD11 protein (p.Ala612Gly).